The following is an entry in ClinVar:

NM_021615.5(CHST6):c.*3819G>C

Gene: CHST6 (carbohydrate sulfotransferase 6; minus strand). Cytogenetic location: 16q23.1.
Variant type: single nucleotide variant.
Coding change: c.*3819G>C on transcript NM_021615.5 (MANE Select); 3819 bases downstream of the stop codon, G replaced by C.
Molecular consequence: 3 prime UTR variant.
Genome position (GRCh38, 1-based): chr16:75,474,822, C>G on the plus strand (G>C on the coding strand, the complement: CHST6 is on the minus strand). VCF-style: chr16-75474822-C-G. GRCh37 (hg19) VCF-style: chr16-75508720-C-G.
Identifiers: ClinVar variation 320527 (VCV000320527.5), dbSNP rs8063068, ClinGen allele CA10638370.

ClinVar aggregate classification (germline): Benign (1 of 4 stars; one submission).

Conditions:
Macular corneal dystrophy (MCD). Also called: GROENOUW TYPE II CORNEAL DYSTROPHY; Macular corneal dystrophy Type I. Identifiers: Orphanet 98969, MedGen C1636149, MONDO:0009020, OMIM 217800.

Allele frequency attached by ClinVar (database versions not stated): 1000 Genomes Project 30x 0.54044; 1000 Genomes Project 0.54073; gnomAD 0.54358 and 0.54603; TOPMed 0.54717; gnomAD exomes 0.56230.
gnomAD v4.1: 219,946 of 395,490 alleles (56%); highest among the groups gnomAD compares: Admixed American, 65%; 61,597 homozygotes.

Submission:

Illumina Laboratory Services, Illumina
Classification: Benign for Macular corneal dystrophy. Last evaluated: 2018-01-13. Review status: criteria provided, single submitter. Criteria: ICSL Variant Classification Criteria 13 December 2019. Collection method: clinical testing. Allele origin: germline.
Comment: This variant was observed in the ICSL laboratory as part of a predisposition screen in an ostensibly healthy population. It had not been previously curated by ICSL or reported in the Human Gene Mutation Database (HGMD: prior to June 1st, 2018), and was therefore a candidate for classification through an automated scoring system. Utilizing variant allele frequency, disease prevalence and penetrance estimates, and inheritance mode, an automated score was calculated to assess if this variant is too frequent to cause the disease. Based on the score and internal cut-off values, a variant classified as benign is not then subjected to further curation. The score for this variant resulted in a classification of benign for this disease.